The following is an entry in ClinVar:

ClinVar aggregate classification (germline): Likely pathogenic (1 of 4 stars; one submission).

Conditions:
Primary ciliary dyskinesia. Also called: Ciliary dyskinesia. Identifiers: Orphanet 244, MedGen C0008780, MONDO:0016575, HP:0012265.

Submission:

Labcorp Genetics (formerly Invitae), Labcorp
Classification: Likely pathogenic for Primary ciliary dyskinesia. Last evaluated: 2025-01-21. Review status: criteria provided, single submitter. Criteria: Invitae Variant Classification Sherloc (09022015). Collection method: clinical testing. Allele origin: germline.
Comment: This sequence change affects a donor splice site in intron 17 of the DNAI1 gene. It is expected to disrupt RNA splicing. Variants that disrupt the donor or acceptor splice site typically lead to a loss of protein function (PMID: 16199547), and loss-of-function variants in DNAI1 are known to be pathogenic (PMID: 16858015, 29363216). This variant is not present in population databases (gnomAD no frequency). Disruption of this splice site has been observed in individual(s) with primary ciliary dyskinesia (PMID: 29095814). ClinVar contains an entry for this variant (Variation ID: 1065908). Algorithms developed to predict the effect of sequence changes on RNA splicing suggest that this variant may disrupt the consensus splice site. In summary, the currently available evidence indicates that the variant is pathogenic, but additional data are needed to prove that conclusively. Therefore, this variant has been classified as Likely Pathogenic.

Literature cited by the submitters: PubMed 16199547; PubMed 16858015; PubMed 29363216; PubMed 29095814.

NM_012144.4(DNAI1):c.1718+1G>A

Gene: DNAI1 (dynein axonemal intermediate chain 1; plus strand). Cytogenetic location: 9p13.3.
Variant type: single nucleotide variant.
Coding change: c.1718+1G>A on transcript NM_012144.4 (MANE Select); the canonical splice donor site of the intron after coding-DNA position 1718, G replaced by A.
Molecular consequence: splice donor variant.
Genome position (GRCh38, 1-based): chr9:34,514,543, G>A. VCF-style: chr9-34514543-G-A. GRCh37 (hg19) VCF-style: chr9-34514541-G-A.
Other names: c.1730+1G>A (NM_001281428.2).
Identifiers: ClinVar variation 1065908 (VCV001065908.9), dbSNP rs2132084012, ClinGen allele CA373264010.
Genomic context (GRCh38, chr9:34,514,543, plus strand): 5'-CAAGGTCTTCATGTCCTGCAGCTCCGACTGGACAGTGAAGATCTGGGACCACACCATCAA[G>A]TGAGGGGCCTGTTCCTGGCTCTGCCTGGGGCCCTCCCCTGGGCTATGGCACTGTGAGCCC-3'